The following is an entry in ClinVar:

ClinVar aggregate classification (germline): Uncertain significance. Review status: criteria provided, multiple submitters, no conflicts (2 of 4 stars). 2 submissions from 2 submitters: Uncertain significance (2). Last evaluated 2025-07-02.

Conditions:
Neurofibromatosis, type 2 (SWNV). Also called: BILATERAL ACOUSTIC NEUROFIBROMATOSIS; SCHWANNOMATOSIS, VESTIBULAR; NF2-Related Schwannomatosis. Identifiers: Orphanet 637, MedGen C0027832, MONDO:0007039, OMIM 101000. Disease mechanism: loss of function.
Hereditary cancer-predisposing syndrome. Also called: Neoplastic Syndromes, Hereditary; Hereditary Cancer Syndrome; Tumor predisposition; Hereditary neoplastic syndrome. Identifiers: Orphanet 140162, MedGen C0027672, MeSH D009386, MONDO:0015356.

Allele frequency attached by ClinVar (database versions not stated): TOPMed below 0.00001; gnomAD 0.00001.

Submissions (2):

Ambry Genetics
Classification: Uncertain significance for Hereditary cancer-predisposing syndrome. Last evaluated: 2025-07-02. Review status: criteria provided, single submitter. Criteria: Ambry Variant Classification Scheme 2023. Collection method: clinical testing. Allele origin: germline.
Comment: The p.A193V variant (also known as c.578C>T), located in coding exon 6 of the NF2 gene, results from a C to T substitution at nucleotide position 578. The alanine at codon 193 is replaced by valine, an amino acid with similar properties. This amino acid position is conserved. In addition, the in silico prediction for this alteration is inconclusive. Based on the available evidence, the clinical significance of this variant remains unclear.

Labcorp Genetics (formerly Invitae), Labcorp
Classification: Uncertain significance for Neurofibromatosis, type 2. Last evaluated: 2024-04-30. Review status: criteria provided, single submitter. Criteria: Invitae Variant Classification Sherloc (09022015). Collection method: clinical testing. Allele origin: germline.
Comment: This sequence change replaces alanine, which is neutral and non-polar, with valine, which is neutral and non-polar, at codon 193 of the NF2 protein (p.Ala193Val). This variant is not present in population databases (gnomAD no frequency). This variant has not been reported in the literature in individuals affected with NF2-related conditions. ClinVar contains an entry for this variant (Variation ID: 2568048). Advanced modeling of protein sequence and biophysical properties (such as structural, functional, and spatial information, amino acid conservation, physicochemical variation, residue mobility, and thermodynamic stability) performed at Invitae indicates that this missense variant is not expected to disrupt NF2 protein function with a negative predictive value of 80%. In summary, the available evidence is currently insufficient to determine the role of this variant in disease. Therefore, it has been classified as a Variant of Uncertain Significance.

NM_000268.4(NF2):c.578C>T (p.Ala193Val)

Gene: NF2 (NF2, moesin-ezrin-radixin like (MERLIN) tumor suppressor; plus strand). Cytogenetic location: 22q12.2.
Variant type: single nucleotide variant.
Coding change: c.578C>T on transcript NM_000268.4 (MANE Select); coding-DNA position 578, C replaced by T.
Protein change: p.Ala193Val; replaces alanine 193 with valine.
Molecular consequence: missense variant. On other transcripts: intron variant (1).
Genome position (GRCh38, 1-based): chr22:29,655,655, C>T. VCF-style: chr22-29655655-C-T. GRCh37 (hg19) VCF-style: chr22-30051644-C-T.
Other names: c.464C>T, p.Ala155Val (NM_001407053.1, NM_001407056.1); c.455C>T, p.Ala152Val (NM_001407054.1, NM_001407058.1, NM_001407062.1 and 1 more transcripts); c.452C>T, p.Ala151Val (NM_001407055.1, NM_181828.3); c.578C>T, p.Ala193Val (NM_001407057.1, NM_001407059.1, NM_001407060.1 and 4 more transcripts); c.329C>T, p.Ala110Val (NM_001407063.1, NM_001407064.1, NM_181830.3 and 1 more transcripts); c.44C>T, p.Ala15Val (NM_001407065.1); c.347C>T, p.Ala116Val (NM_001407067.1); c.447+13370C>T (NM_181833.3); short protein forms A116V, A151V, A152V, A155V, A110V, A15V, A193V.
Identifiers: ClinVar variation 2568048 (VCV002568048.5), dbSNP rs1175984329, ClinGen allele CA411142659.